The following is an entry in ClinVar:

NM_000161.3(GCH1):c.10G>A (p.Gly4Ser)

Genes: GCH1 (GTP cyclohydrolase 1; minus strand), LOC130055692 (ATAC-STARR-seq lymphoblastoid silent region 5776; plus strand). Cytogenetic location: 14q22.2.
Variant type: single nucleotide variant.
Coding change: c.10G>A on transcript NM_000161.3 (MANE Select); coding-DNA position 10, G replaced by A.
Protein change: p.Gly4Ser; replaces glycine 4 with serine.
Molecular consequence: missense variant.
Genome position (GRCh38, 1-based): chr14:54,902,654, C>T on the plus strand (G>A on the coding strand, the complement: GCH1 is on the minus strand). VCF-style: chr14-54902654-C-T. GRCh37 (hg19) VCF-style: chr14-55369372-C-T.
Other names: c.10G>A (NM_000161.2); c.10G>A, p.Gly4Ser (NM_001024024.2, NM_001024070.2, NM_001024071.2); short protein forms G4S.
Identifiers: ClinVar variation 2432081 (VCV002432081.7), dbSNP rs764013857, ClinGen allele CA389794973.

ClinVar aggregate classification (germline): Uncertain significance. Review status: criteria provided, multiple submitters, no conflicts (2 of 4 stars). 3 submissions from 3 submitters: Uncertain significance (3). Last evaluated 2023-12-09.

Conditions:
Dystonia 5 (DRD). Also called: DYSTONIA, PROGRESSIVE, WITH DIURNAL VARIATION; DYSTONIA-PARKINSONISM WITH DIURNAL FLUCTUATION; GTP Cyclohydrolase 1-Deficient Dopa-Responsive Dystonia; Dystonia, DOPA-responsive, with or without hyperphenylalaninemia; DYT-GCH1. Identifiers: Orphanet 98808, MedGen C1851920, MONDO:0007495, OMIM 128230.
GTP cyclohydrolase I deficiency. Identifiers: MedGen C0268467, MONDO:0100184.
Inborn genetic diseases. Identifiers: MedGen C0950123, MeSH D030342.

Allele frequency attached by ClinVar (database versions not stated): gnomAD exomes below 0.00001; TOPMed below 0.00001.
gnomAD v4.1: 1 of 1,474,178 alleles (0.000068%); highest among the groups gnomAD compares: Non-Finnish European, 0.000089%; no homozygotes.

Submissions (3):

Ambry Genetics
Classification: Uncertain significance for Inborn genetic diseases. Last evaluated: 2023-12-09. Review status: criteria provided, single submitter. Criteria: Ambry Variant Classification Scheme 2023. Collection method: clinical testing. Allele origin: germline.

Labcorp Genetics (formerly Invitae), Labcorp
Classification: Uncertain significance for GTP cyclohydrolase I deficiency; Dystonia 5. Last evaluated: 2023-11-27. Review status: criteria provided, single submitter. Criteria: Invitae Variant Classification Sherloc (09022015). Collection method: clinical testing. Allele origin: germline.
Comment: This sequence change replaces glycine, which is neutral and non-polar, with serine, which is neutral and polar, at codon 4 of the GCH1 protein (p.Gly4Ser). This variant is not present in population databases (gnomAD no frequency). This variant has not been reported in the literature in individuals affected with GCH1-related conditions. ClinVar contains an entry for this variant (Variation ID: 2432081). Advanced modeling of protein sequence and biophysical properties (such as structural, functional, and spatial information, amino acid conservation, physicochemical variation, residue mobility, and thermodynamic stability) performed at Invitae indicates that this missense variant is not expected to disrupt GCH1 protein function with a negative predictive value of 95%. In summary, the available evidence is currently insufficient to determine the role of this variant in disease. Therefore, it has been classified as a Variant of Uncertain Significance.

Revvity Omics, Revvity
Classification: Uncertain significance. Last evaluated: 2022-09-12. Review status: criteria provided, single submitter. Criteria: ACMG Guidelines, 2015. Collection method: clinical testing. Allele origin: germline.